The following is an entry in ClinVar:

ClinVar aggregate classification (germline): Uncertain significance (1 of 4 stars; one submission).

Conditions:
Hereditary cancer-predisposing syndrome. Also called: Tumor predisposition; Hereditary Cancer Syndrome; Neoplastic Syndromes, Hereditary; Hereditary neoplastic syndrome. Identifiers: Orphanet 140162, MedGen C0027672, MeSH D009386, MONDO:0015356.

Submission:

Color Diagnostics, LLC DBA Color Health
Classification: Uncertain significance for Hereditary cancer-predisposing syndrome. Last evaluated: 2025-06-18. Review status: criteria provided, single submitter. Criteria: ACMG Guidelines, 2015. Collection method: clinical testing. Allele origin: germline.
Comment: This missense variant replaces proline with alanine at codon 919 of the BRCA1 protein. Computational prediction suggests that this variant may not impact protein structure and function. To our knowledge, functional studies have not been reported for this variant. This variant has not been reported in individuals affected with BRCA1-related disorders in the literature. This variant has not been identified in the general population by the Genome Aggregation Database (gnomAD). The available evidence is insufficient to determine the role of this variant in disease conclusively. Therefore, this variant is classified as a Variant of Uncertain Significance.

NM_007294.4(BRCA1):c.2755C>G (p.Pro919Ala)

Gene: BRCA1 (BRCA1 DNA repair associated; minus strand). Cytogenetic location: 17q21.31.
Variant type: single nucleotide variant.
Coding change: c.2755C>G on transcript NM_007294.4 (MANE Select); coding-DNA position 2755, C replaced by G.
Protein change: p.Pro919Ala; replaces proline 919 with alanine.
Molecular consequence: missense variant. On other transcripts: intron variant (137).
Genome position (GRCh38, 1-based): chr17:43,092,776, G>C on the plus strand (C>G on the coding strand, the complement: BRCA1 is on the minus strand). VCF-style: chr17-43092776-G-C. GRCh37 (hg19) VCF-style: chr17-41244793-G-C.
Other names: c.2542C>G, p.Pro848Ala (NM_001407571.1, NM_001407853.1, NM_001407894.1 and 9 more transcripts); c.2755C>G, p.Pro919Ala (NM_001407581.1, NM_001407582.1, NM_001407583.1 and 30 more transcripts); c.2752C>G, p.Pro918Ala (NM_001407587.1, NM_001407590.1, NM_001407591.1 and 22 more transcripts); c.2632C>G, p.Pro878Ala (NM_001407675.1, NM_001407676.1, NM_001407677.1 and 19 more transcripts); c.2629C>G, p.Pro877Ala (NM_001407685.1, NM_001407686.1, NM_001407687.1 and 11 more transcripts); c.2614C>G, p.Pro872Ala (NM_001407692.1, NM_001407694.1, NM_001407695.1 and 29 more transcripts); c.2746C>G, p.Pro916Ala (NM_001407646.1, NM_001407647.1); c.2611C>G, p.Pro871Ala (NM_001407740.1, NM_001407741.1, NM_001407742.1 and 20 more transcripts); and 41 more; short protein forms P623A, P751A, P791A, P792A, P807A, P808A, P830A, P831A.
Identifiers: ClinVar variation 4757048 (VCV004757048.1).